The following is an entry in ClinVar:

NM_005026.5(PIK3CD):c.598G>A (p.Glu200Lys)

Gene: PIK3CD (phosphatidylinositol-4,5-bisphosphate 3-kinase catalytic subunit delta; plus strand). Cytogenetic location: 1p36.22.
Variant type: single nucleotide variant.
Coding change: c.598G>A on transcript NM_005026.5 (MANE Select); coding-DNA position 598, G replaced by A.
Protein change: p.Glu200Lys; replaces glutamic acid 200 with lysine.
Molecular consequence: missense variant.
Genome position (GRCh38, 1-based): chr1:9,716,076, G>A. VCF-style: chr1-9716076-G-A. GRCh37 (hg19) VCF-style: chr1-9776134-G-A.
Other names: NM_005026.5(PIK3CD):c.598G>A; p.Glu200Lys; c.598G>A, p.Glu200Lys (NM_001350234.2, NM_001350235.1); c.598G>A (LRG_191t1); short protein forms E200K.
Identifiers: ClinVar variation 642308 (VCV000642308.55), dbSNP rs141200414, ClinGen allele CA576909.

ClinVar aggregate classification (germline): Likely benign. Review status: reviewed by expert panel (3 of 4 stars). 7 submissions from 7 submitters: Likely benign (1). 6 of the submissions do not count toward it. Last evaluated 2025-12-19.

Conditions:
Combined immunodeficiency with faciooculoskeletal anomalies. Also called: Roifman-Chitayat syndrome; COMBINED IMMUNODEFICIENCY, FACIAL DYSMORPHISM, OPTIC NERVE ATROPHY, SKELETAL ANOMALIES, AND DEVELOPMENTAL DELAY; Roifman-Chitayat syndrome, digenic. Identifiers: Orphanet 221139, MedGen C2750068, MONDO:0013226, OMIM 613328.
Immunodeficiency 14 (IMD14A). Also called: p110-DELTA-ACTIVATING MUTATION CAUSING SENESCENT T CELLS, LYMPHADENOPATHY, AND IMMUNODEFICIENCY; ACTIVATED PI3K-DELTA SYNDROME 1; IMMUNODEFICIENCY 14A WITH LYMPHOPROLIFERATION, AUTOSOMAL DOMINANT; Activated PI3K Delta Syndrome Type 1 (APDS1). Identifiers: Orphanet 397596, Orphanet 693661, MedGen C5907821, MONDO:0014222, OMIM 615513.
Immunodeficiency 14b, autosomal recessive. Identifiers: MedGen C5543301, MONDO:0023655, OMIM 619281.
Activated PI3K-delta syndrome. Identifiers: Orphanet 397596, MedGen C3714976, MONDO:0018338.

Allele frequency attached by ClinVar (database versions not stated): 1000 Genomes Project 0.00020; gnomAD 0.00023 and 0.00028; gnomAD exomes 0.00023 and 0.00025; ExAC 0.00024; TOPMed 0.00028; 1000 Genomes Project 30x 0.00031; ESP Exome Variant Server 0.00016.
gnomAD v4.1: 405 of 1,611,342 alleles (0.025%); highest among the groups gnomAD compares: Admixed American, 0.05%; no homozygotes.

Submissions (7):

ClinGen Primary Immune Regulatory Disorders Variant Curation Expert Panel, ClinGen
Classification: Likely benign for Immunodeficiency 14. Last evaluated: 2025-12-19. Review status: reviewed by expert panel. Criteria: ClinGen AbDef ACMG Specifications PIK3CD V1.0.0. Collection method: curation. Allele origin: germline. Inheritance: Autosomal dominant inheritance.
Comment: NM_005026.5(PIK3CD):c.598G>A (p.Glu200Lys) is a missense variant that causes substitution of glutamic acid by lysine at amino acid 200. This variant is present in gnomAD v.4.1.0 at a GrpMax allele frequency of 0.0003600, with 30 alleles / 59,882 total alleles in the Admixed American population, which is higher than the ClinGen Antibody Deficiencies VCEP BS1 threshold of 0.000316 (BS1). At least one patient harboring this variant had a phenotype including recurrent respiratory infections with sinusitis, acute bronchitis, and recurrent otitis media (4 pts), joint swelling, skin rash (1 pt), an abnormally high percentage of transitional B cells (2 pts), normal proportion of T follicular helper cells, and increased phospho-AKT upon anti-CD3 stimulation of blasting primary T cells, as well as increased baseline phospho-S6, which together were not sufficiently specific to immunodeficiency 14 to meet PP4 (7 total points, ClinVar Accession #: SCV005423719.1). The computational predictor REVEL gives a score of 0.114, which is below the ClinGen Antibody Deficiencies VCEP threshold of <0.290 and predicts a non-damaging effect on PIK3CD function. The computational predictor CADD gives a PHRED score of 23.0, which is above the ClinGen Antibody Deficiencies VCEP threshold of <22.7 and does not predict a non-deleterious effect on PIK3CD function. Because the two predictors do not agree on a non-damaging effect, BP4 is not met. In summary, this variant meets the criteria to be classified as likely benign for autosomal dominant immunodeficiency 14 based on the ACMG/AMP criteria applied, as specified by the ClinGen Antibody Deficiencies VCEP: BS1. (VCEP specifications version 1.0.0).

Labcorp Genetics (formerly Invitae), Labcorp
Classification: Uncertain significance for Activated PI3K-delta syndrome. Last evaluated: 2026-01-12. Review status: criteria provided, single submitter. Criteria: Invitae Variant Classification Sherloc (09022015). Collection method: clinical testing. Allele origin: germline. Not counted in ClinVar's aggregate classification.
Comment: This sequence change replaces glutamic acid, which is acidic and polar, with lysine, which is basic and polar, at codon 200 of the PIK3CD protein (p.Glu200Lys). This variant is present in population databases (rs141200414, gnomAD 0.05%). This missense change has been observed in individual(s) with PIK3CD-related conditions (internal data). ClinVar contains an entry for this variant (Variation ID: 642308). An algorithm developed to predict the effect of missense changes on protein structure and function (PolyPhen-2) suggests that this variant is likely to be tolerated. In summary, the available evidence is currently insufficient to determine the role of this variant in disease. Therefore, it has been classified as a Variant of Uncertain Significance.

Blueprint Genetics
Classification: Likely benign. Last evaluated: 2024-07-17. Review status: criteria provided, single submitter. Criteria: ACMG Guidelines, 2015. Collection method: clinical testing. Allele origin: germline. Not counted in ClinVar's aggregate classification.

ARUP Laboratories, Molecular Genetics and Genomics, ARUP Laboratories
Classification: Uncertain significance. Last evaluated: 2023-09-18. Review status: criteria provided, single submitter. Criteria: ARUP Molecular Germline Variant Investigation Process 2024. Collection method: clinical testing. Allele origin: germline. Not counted in ClinVar's aggregate classification.

Fulgent Genetics
Classification: Uncertain significance for Combined immunodeficiency with faciooculoskeletal anomalies; Immunodeficiency 14; Immunodeficiency 14b, autosomal recessive. Last evaluated: 2021-10-14. Review status: criteria provided, single submitter. Criteria: ACMG Guidelines, 2015. Collection method: clinical testing. Allele origin: unknown. Not counted in ClinVar's aggregate classification.

CeGaT Center for Human Genetics Tuebingen
Classification: Uncertain significance. Last evaluated: 2019-02-01. Review status: criteria provided, single submitter. Criteria: CeGaT Center For Human Genetics Tuebingen Variant Classification Criteria Version 2. Collection method: clinical testing. Allele origin: germline. Affected: yes. Observed: 1 variant allele. Not counted in ClinVar's aggregate classification.

Rarefied Biosciences Lab
Classification: Likely pathogenic for Activated PI3K-delta syndrome. Review status: no assertion criteria provided. Collection method: research. Allele origin: paternal, not applicable. Affected: yes. Not counted in ClinVar's aggregate classification.
Comment: p.Glu200Lys is classified here as likely pathogenic due to experimental evidence showing gain of mTOR function. The proportion of circulating transitional B cells is higher as compared to healthy controls. The proportion of TFH is normal compared to controls.

Literature cited by the submitters: PubMed 31031754 (cited by Rarefied Biosciences Lab).